The following is an entry in ClinVar:

ClinVar aggregate classification (germline): Benign/Likely benign. Review status: criteria provided, multiple submitters, no conflicts (2 of 4 stars). 3 submissions from 3 submitters: Benign (1); Likely benign (2). Last evaluated 2026-06-10.

Conditions:
Inborn genetic diseases. Identifiers: MedGen C0950123, MeSH D030342.
Tumor predisposition syndrome 2 (TPDS2). Also called: MBD4-Related Tumor Predisposition Syndrome; MBD4-associated neoplasia syndrome (MANS); MBD4-ASSOCIATED NEOPLASIA SYNDROME. Identifiers: Orphanet 661526, MedGen C5774186, MONDO:0859267, OMIM 619975.

gnomAD v4.1: 2 of 1,614,136 alleles (0.00012%); highest among the groups gnomAD compares: Admixed American, 0.0017%; no homozygotes.

Submissions (3):

Myriad Genetics, Inc.
Classification: Benign for Tumor predisposition syndrome 2. Last evaluated: 2026-06-10. Review status: criteria provided, single submitter. Criteria: Myriad Autosomal Dominant, Autosomal Recessive and X-Linked Classification Criteria (2023). Collection method: clinical testing. Allele origin: unknown.
Comment: This variant is considered benign. This variant is a silent/synonymous amino acid change and it is not expected to impact splicing.

Ambry Genetics
Classification: Likely benign for Inborn genetic diseases. Last evaluated: 2026-01-25. Review status: criteria provided, single submitter. Criteria: Ambry Variant Classification Scheme 2023. Collection method: clinical testing. Allele origin: germline.

Labcorp Genetics (formerly Invitae), Labcorp
Classification: Likely benign. Last evaluated: 2025-05-17. Review status: criteria provided, single submitter. Criteria: Invitae Variant Classification Sherloc (09022015). Collection method: clinical testing. Allele origin: germline.

NM_001276270.2(MBD4):c.1041G>A (p.Lys347=)

Gene: MBD4 (methyl-CpG binding domain 4, DNA glycosylase; minus strand). Cytogenetic location: 3q21.3.
Variant type: single nucleotide variant.
Coding change: c.1041G>A on transcript NM_001276270.2 (MANE Select); coding-DNA position 1041, G replaced by A.
Protein change: p.Lys347=; no amino-acid change (lysine 347 retained).
Molecular consequence: synonymous variant. On other transcripts: intron variant (1).
Genome position (GRCh38, 1-based): chr3:129,436,603, C>T on the plus strand (G>A on the coding strand, the complement: MBD4 is on the minus strand). VCF-style: chr3-129436603-C-T. GRCh37 (hg19) VCF-style: chr3-129155446-C-T.
Other names: c.1041G>A, p.Lys347= (NM_001276271.2, NM_001276272.2, NM_003925.3); c.247+1205G>A (NM_001276273.2).
Identifiers: ClinVar variation 4710602 (VCV004710602.3).
Genomic context (GRCh38, chr3:129,436,603, plus strand): 5'-CCTTTCCACAACTTCTACTTTTGTTCCGATTTCTTCAGATTCTAAAAAGGTATCCTCATA[C>T]TTCTCGTTGTGTTCTGAGTCTTTGGCTGAACAAAATTTGTTTATGATGCCAGAAGTTTTT-3'
Protein context (NP_001263199.1, residues 337-357): CSAKDSEHNE[Lys347=]YEDTFLESEE